The following is an entry in ClinVar:

ClinVar aggregate classification (germline): Uncertain significance (1 of 4 stars; one submission).

Submission:

Labcorp Genetics (formerly Invitae), Labcorp
Classification: Uncertain significance. Last evaluated: 2023-01-02. Review status: criteria provided, single submitter. Criteria: Invitae Variant Classification Sherloc (09022015). Collection method: clinical testing. Allele origin: germline.
Comment: This variant is not present in population databases (gnomAD no frequency). This sequence change replaces glutamine, which is neutral and polar, with arginine, which is basic and polar, at codon 1304 of the RIMS1 protein (p.Gln1304Arg). This variant has not been reported in the literature in individuals affected with RIMS1-related conditions. Algorithms developed to predict the effect of missense changes on protein structure and function (SIFT, PolyPhen-2, Align-GVGD) all suggest that this variant is likely to be disruptive. In summary, the available evidence is currently insufficient to determine the role of this variant in disease. Therefore, it has been classified as a Variant of Uncertain Significance.

NM_014989.7(RIMS1):c.3911A>G (p.Gln1304Arg)

Gene: RIMS1 (regulating synaptic membrane exocytosis 1; plus strand). Cytogenetic location: 6q13.
Variant type: single nucleotide variant.
Coding change: c.3911A>G on transcript NM_014989.7 (MANE Select); coding-DNA position 3911, A replaced by G.
Protein change: p.Gln1304Arg; replaces glutamine 1304 with arginine.
Molecular consequence: missense variant. On other transcripts: intron variant (24).
Genome position (GRCh38, 1-based): chr6:72,307,318, A>G. VCF-style: chr6-72307318-A-G. GRCh37 (hg19) VCF-style: chr6-73017021-A-G.
Other names: c.1871A>G, p.Gln624Arg (NM_001168407.2); c.1832A>G, p.Gln611Arg (NM_001350414.2); c.1955A>G, p.Gln652Arg (NM_001350415.2); c.1904A>G, p.Gln635Arg (NM_001350416.2); c.1877A>G, p.Gln626Arg (NM_001350418.2); c.1985A>G, p.Gln662Arg (NM_001350420.2); c.1730A>G, p.Gln577Arg (NM_001350421.2); c.1646A>G, p.Gln549Arg (NM_001350423.2, NM_001350444.2); and 51 more; short protein forms Q1304R, Q519R, Q535R, Q653R, Q688R, Q468R, Q550R, Q584R.
Identifiers: ClinVar variation 2825959 (VCV002825959.3), dbSNP rs2552194514, ClinGen allele CA364690434.